The following is an entry in ClinVar:

NM_001122955.4(BSCL2):c.195G>A (p.Met65Ile)

Genes: BSCL2 (BSCL2 lipid droplet biogenesis associated, seipin; minus strand), HNRNPUL2-BSCL2 (HNRNPUL2-BSCL2 readthrough (NMD candidate); minus strand). Cytogenetic location: 11q12.3.
Variant type: single nucleotide variant.
Coding change: c.195G>A on transcript NM_001122955.4 (MANE Select); coding-DNA position 195, G replaced by A.
Protein change: p.Met65Ile; replaces methionine 65 with isoleucine.
Molecular consequence: missense variant. On other transcripts: non-coding transcript variant (1), initiator codon variant (2).
Genome position (GRCh38, 1-based): chr11:62,705,510, C>T on the plus strand (G>A on the coding strand, the complement: BSCL2 is on the minus strand). VCF-style: chr11-62705510-C-T. GRCh37 (hg19) VCF-style: chr11-62472982-C-T.
Other names: c.3G>A, p.Met1Ile (NM_001130702.2, NM_032667.6); c.195G>A, p.Met65Ile (NM_001386027.1, NM_001386028.1); short protein forms M1I, M65I.
Identifiers: ClinVar variation 3234754 (VCV003234754.21), dbSNP rs2539182380, ClinGen allele CA380970839.

ClinVar aggregate classification (germline): Uncertain significance. Review status: criteria provided, multiple submitters, no conflicts (2 of 4 stars). 2 submissions from 2 submitters: Uncertain significance (2). Last evaluated 2025-08-29.

Conditions:
Charcot-Marie-Tooth disease type 2. Also called: Charcot-Marie-Tooth type 2. Identifiers: Orphanet 64746, MedGen C0270914, MONDO:0018993.

Submissions (2):

Labcorp Genetics (formerly Invitae), Labcorp
Classification: Uncertain significance for Charcot-Marie-Tooth disease type 2. Last evaluated: 2025-08-29. Review status: criteria provided, single submitter. Criteria: Invitae Variant Classification Sherloc (09022015). Collection method: clinical testing. Allele origin: germline.
Comment: This sequence change affects the initiator codon of the BSCL2 mRNA. This change may impact translation initiation or efficiency. The next in-frame methionine is located at codon 57. This variant is not present in population databases (gnomAD no frequency). This variant has not been reported in the literature in individuals affected with BSCL2-related conditions. ClinVar contains an entry for this variant (Variation ID: 3234754). Experimental studies and prediction algorithms are not available or were not evaluated, and the functional significance of this variant is currently unknown. This variant disrupts a region of the BSCL2 protein in which other variant(s) (p.Arg25Leu) have been observed in individuals with BSCL2-related conditions (internal data). This suggests that this is a clinically significant region of the protein, and that variants that disrupt it are likely to be disease-causing. In summary, the available evidence is currently insufficient to determine the role of this variant in disease. Therefore, it has been classified as a Variant of Uncertain Significance.

CeGaT Center for Human Genetics Tuebingen
Classification: Uncertain significance. Last evaluated: 2024-04-01. Review status: criteria provided, single submitter. Criteria: CeGaT Center For Human Genetics Tuebingen Variant Classification Criteria Version 2. Collection method: clinical testing. Allele origin: germline. Affected: yes. Observed: 1 variant allele.
Comment: BSCL2: PM2